The following is an entry in ClinVar:

ClinVar aggregate classification (germline): Uncertain significance (1 of 4 stars; one submission).

Submission:

Labcorp Genetics (formerly Invitae), Labcorp
Classification: Uncertain significance. Last evaluated: 2022-07-06. Review status: criteria provided, single submitter. Criteria: Invitae Variant Classification Sherloc (09022015). Collection method: clinical testing. Allele origin: germline.
Comment: This sequence change replaces asparagine, which is neutral and polar, with lysine, which is basic and polar, at codon 497 of the PRPF6 protein (p.Asn497Lys). In summary, the available evidence is currently insufficient to determine the role of this variant in disease. Therefore, it has been classified as a Variant of Uncertain Significance. Algorithms developed to predict the effect of sequence changes on RNA splicing suggest that this variant may create or strengthen a splice site. Algorithms developed to predict the effect of missense changes on protein structure and function (SIFT, PolyPhen-2, Align-GVGD) all suggest that this variant is likely to be disruptive. ClinVar contains an entry for this variant (Variation ID: 1418132). This variant has not been reported in the literature in individuals affected with PRPF6-related conditions. This variant is not present in population databases (gnomAD no frequency).

NM_012469.4(PRPF6):c.1491C>A (p.Asn497Lys)

Genes: PRPF6 (pre-mRNA processing factor 6; plus strand), LOC126863089 (BRD4-independent group 4 enhancer GRCh37_chr20:62642795-62643994; plus strand). Cytogenetic location: 20q13.33.
Variant type: single nucleotide variant.
Coding change: c.1491C>A on transcript NM_012469.4 (MANE Select); coding-DNA position 1491, C replaced by A.
Protein change: p.Asn497Lys; replaces asparagine 497 with lysine.
Molecular consequence: missense variant.
Genome position (GRCh38, 1-based): chr20:64,011,470, C>A. VCF-style: chr20-64011470-C-A. GRCh37 (hg19) VCF-style: chr20-62642823-C-A.
Other names: short protein forms N497K.
Identifiers: ClinVar variation 1418132 (VCV001418132.8), dbSNP rs530473195, ClinGen allele CA409727660.